The following is an entry in ClinVar:

ClinVar aggregate classification (germline): Uncertain significance (1 of 4 stars; one submission).

Submission:

Labcorp Genetics (formerly Invitae), Labcorp
Classification: Uncertain significance. Last evaluated: 2024-04-22. Review status: criteria provided, single submitter. Criteria: Invitae Variant Classification Sherloc (09022015). Collection method: clinical testing. Allele origin: germline.
Comment: This sequence change replaces serine, which is neutral and polar, with proline, which is neutral and non-polar, at codon 1506 of the POLE protein (p.Ser1506Pro). This variant is not present in population databases (gnomAD no frequency). This variant has not been reported in the literature in individuals affected with POLE-related conditions. Advanced modeling of protein sequence and biophysical properties (such as structural, functional, and spatial information, amino acid conservation, physicochemical variation, residue mobility, and thermodynamic stability) performed at Invitae indicates that this missense variant is not expected to disrupt POLE protein function with a negative predictive value of 80%. In summary, the available evidence is currently insufficient to determine the role of this variant in disease. Therefore, it has been classified as a Variant of Uncertain Significance.

NM_006231.4(POLE):c.4516T>C (p.Ser1506Pro)

Gene: POLE (DNA polymerase epsilon, catalytic subunit; minus strand). Cytogenetic location: 12q24.33.
Variant type: single nucleotide variant.
Coding change: c.4516T>C on transcript NM_006231.4 (MANE Select); coding-DNA position 4516, T replaced by C.
Protein change: p.Ser1506Pro; replaces serine 1506 with proline.
Molecular consequence: missense variant.
Genome position (GRCh38, 1-based): chr12:132,643,259, A>G on the plus strand (T>C on the coding strand, the complement: POLE is on the minus strand). VCF-style: chr12-132643259-A-G. GRCh37 (hg19) VCF-style: chr12-133219845-A-G.
Other names: short protein forms S1506P.
Identifiers: ClinVar variation 3650495 (VCV003650495.2).
Genomic context (GRCh38, chr12:132,643,259, plus strand): 5'-CTGCCATGGAGGGCCCAGGACTCACAGTGTCCAGCACAAAGACGGATGCCCTGCGCTGTG[A>G]GGGGATGAAGATCCCGAAGAGCGCTTTGTGGGCCTGTGCGTGGTGGTACAGGTAGATATG-3'
Protein context (NP_006222.2, residues 1496-1516): HKALFGIFIP[Ser1506Pro]QRRASVFVLD